The following is an entry in ClinVar:

NM_001142800.2(EYS):c.2993-2A>G

Gene: EYS (EGF-like photoreceptor maintenance factor; minus strand). Cytogenetic location: 6q12.
Variant type: single nucleotide variant.
Coding change: c.2993-2A>G on transcript NM_001142800.2 (MANE Select); the canonical splice acceptor site of the intron before coding-DNA position 2993, A replaced by G.
Molecular consequence: splice acceptor variant.
Genome position (GRCh38, 1-based): chr6:64,822,824, T>C on the plus strand (A>G on the coding strand, the complement: EYS is on the minus strand). VCF-style: chr6-64822824-T-C. GRCh37 (hg19) VCF-style: chr6-65532717-T-C.
Other names: c.2993-2A>G (NM_001292009.2).
Identifiers: ClinVar variation 1210404 (VCV001210404.5), dbSNP rs2150022860, ClinGen allele CA364788132.

ClinVar aggregate classification (germline): Pathogenic/Likely pathogenic. Review status: criteria provided, multiple submitters, no conflicts (2 of 4 stars). 3 submissions from 3 submitters: Pathogenic (2); Likely pathogenic (1). Last evaluated 2024-10-01.

Conditions:
Retinitis pigmentosa 25 (RP25). Identifiers: Orphanet 791, MedGen C1864446, MONDO:0011272, OMIM 602772.
Cone-rod dystrophy. Also called: Cone/cone-rod dystrophy; Cone-rod degeneration. Identifiers: Orphanet 1872, MedGen C4085590, MONDO:0015993, HP:0000548.

Submissions (3):

Lab De Baere, Eye and Developmental Genetics Lab, Ghent University
Classification: Pathogenic for Cone-rod dystrophy. Last evaluated: 2024-10-01. Review status: criteria provided, single submitter. Criteria: ACMG Guidelines, 2015. Collection method: research. Allele origin: inherited. Affected: yes. Observed: 1 variant allele.
Comment: ACMG/AMP guidelines: PM2, PP5, PVS1

Genome-Nilou Lab
Classification: Likely pathogenic for Retinitis pigmentosa 25. Last evaluated: 2021-07-22. Review status: criteria provided, single submitter. Criteria: ACMG Guidelines, 2015. Collection method: clinical testing. Allele origin: germline. Affected: no.

Kariminejad - Najmabadi Pathology & Genetics Center
Classification: Pathogenic for Retinitis pigmentosa 25. Review status: criteria provided, single submitter. Criteria: ACMG Guidelines, 2015. Collection method: clinical testing. Allele origin: germline. Affected: no.